The following is an entry in ClinVar:

ClinVar aggregate classification (germline): Uncertain significance (0 of 4 stars; one submission).

Conditions:
STAG2-related disorder. Also called: STAG2-Related Disorders.

Submission:

PreventionGenetics, part of Exact Sciences
Classification: Uncertain significance for STAG2-related condition. Last evaluated: 2024-09-17. Review status: no assertion criteria provided. Collection method: clinical testing. Allele origin: germline.
Comment: The STAG2 c.3382G>C variant is predicted to result in the amino acid substitution p.Glu1128Gln. To our knowledge, this variant has not been reported in the literature or in a large population database, indicating this variant is rare. At this time, the clinical significance of this variant is uncertain due to the absence of conclusive functional and genetic evidence.

NM_001042750.2(STAG2):c.3382G>C (p.Glu1128Gln)

Gene: STAG2 (STAG2 cohesin complex component; plus strand). Cytogenetic location: Xq25.
Variant type: single nucleotide variant.
Coding change: c.3382G>C on transcript NM_001042750.2 (MANE Select); coding-DNA position 3382, G replaced by C.
Protein change: p.Glu1128Gln; replaces glutamic acid 1128 with glutamine.
Molecular consequence: missense variant.
Genome position (GRCh38, 1-based): chrX:124,090,679, G>C. VCF-style: chrX-124090679-G-C. GRCh37 (hg19) VCF-style: chrX-123224529-G-C.
Other names: c.3382G>C, p.Glu1128Gln (NM_001042749.2, NM_001042751.2, NM_001282418.2 and 13 more transcripts); short protein forms E1128Q.
Identifiers: ClinVar variation 3356483 (VCV003356483.1).